The following is an entry in ClinVar:

ClinVar aggregate classification (germline): Uncertain significance (1 of 4 stars; one submission).

Conditions:
Cornelia de Lange syndrome 1 (CDLS1). Also called: Brachmann de Lange syndrome; NIPBL-Related Cornelia de Lange Syndrome; TYPUS DEGENERATIVUS AMSTELODAMENSIS. Identifiers: Orphanet 199, MedGen C4551851, MONDO:0007387, OMIM 122470.

Submission:

Labcorp Genetics (formerly Invitae), Labcorp
Classification: Uncertain significance for Cornelia de Lange syndrome 1. Last evaluated: 2023-07-14. Review status: criteria provided, single submitter. Criteria: Invitae Variant Classification Sherloc (09022015). Collection method: clinical testing. Allele origin: germline.
Comment: In summary, the available evidence is currently insufficient to determine the role of this variant in disease. Therefore, it has been classified as a Variant of Uncertain Significance. Advanced modeling of protein sequence and biophysical properties (such as structural, functional, and spatial information, amino acid conservation, physicochemical variation, residue mobility, and thermodynamic stability) performed at Invitae indicates that this missense variant is not expected to disrupt NIPBL protein function. This variant has not been reported in the literature in individuals affected with NIPBL-related conditions. This variant is not present in population databases (gnomAD no frequency). This sequence change replaces alanine, which is neutral and non-polar, with threonine, which is neutral and polar, at codon 55 of the NIPBL protein (p.Ala55Thr).

NM_133433.4(NIPBL):c.163G>A (p.Ala55Thr)

Gene: NIPBL (NIPBL cohesin loading factor; plus strand). Cytogenetic location: 5p13.2.
Variant type: single nucleotide variant.
Coding change: c.163G>A on transcript NM_133433.4 (MANE Select); coding-DNA position 163, G replaced by A.
Protein change: p.Ala55Thr; replaces alanine 55 with threonine.
Molecular consequence: missense variant.
Genome position (GRCh38, 1-based): chr5:36,955,570, G>A. VCF-style: chr5-36955570-G-A. GRCh37 (hg19) VCF-style: chr5-36955672-G-A.
Other names: c.163G>A, p.Ala55Thr (NM_015384.5); short protein forms A55T.
Identifiers: ClinVar variation 2863427 (VCV002863427.3), dbSNP rs2478987011, ClinGen allele CA359474230.
Genomic context (GRCh38, chr5:36,955,570, plus strand): 5'-ACAACTACAAAGAGCCTTCTCTTTAATGCACGAATAGCAGAAGAGGTGAACTGCCTTTTG[G>A]CTTGTAGGGATGACAATTTGGTTTCACAGCTTGTCCATAGCCTCAACCAGGTATCAACAG-3'
Protein context (NP_597677.2, residues 45-65): RIAEEVNCLL[Ala55Thr]CRDDNLVSQL